The following is an entry in ClinVar:

NM_024334.3(TMEM43):c.437C>T (p.Ser146Phe)

Gene: TMEM43 (transmembrane protein 43; plus strand). Cytogenetic location: 3p25.1.
Variant type: single nucleotide variant.
Coding change: c.437C>T on transcript NM_024334.3 (MANE Select); coding-DNA position 437, C replaced by T.
Protein change: p.Ser146Phe; replaces serine 146 with phenylalanine.
Molecular consequence: missense variant.
Genome position (GRCh38, 1-based): chr3:14,132,590, C>T. VCF-style: chr3-14132590-C-T. GRCh37 (hg19) VCF-style: chr3-14174090-C-T.
Other names: short protein forms S146F.
Identifiers: ClinVar variation 1171107 (VCV001171107.4), dbSNP rs1053499435, ClinGen allele CA351535069.
Genomic context (GRCh38, chr3:14,132,590, plus strand): 5'-TTTGCTTTCCCTGCAGGGAGTACACCGAGGATGGGCAGGTGAAGAAGGAGACGAGGTATT[C>T]CTACAGTGAGTGCTGGGCCCCTTACGTGGTCTCTGCCCATGGTGGGGGCCCACAGTGGTG-3'
Protein context (NP_077310.1, residues 136-156): DGQVKKETRY[Ser146Phe]YNTEWRSEII

ClinVar aggregate classification (germline): Uncertain significance. Review status: criteria provided, multiple submitters, no conflicts (2 of 4 stars). 2 submissions from 2 submitters: Uncertain significance (2). Last evaluated 2024-03-24.

Conditions:
Arrhythmogenic right ventricular dysplasia 5. Also called: Arrhythmogenic Right Ventricular Dysplasia/Cardiomyopathy 5; ARRHYTHMOGENIC RIGHT VENTRICULAR DYSPLASIA, FAMILIAL, 5. Identifiers: MedGen C1858379, MONDO:0011459, OMIM 604400.
Cardiomyopathy (CMYO). Also called: Cardiomyopathies. Identifiers: Orphanet 167848, MedGen C0878544, MONDO:0004994, HP:0001638. Inheritance: Various modes of inheritance.

Allele frequency attached by ClinVar (database versions not stated): TOPMed below 0.00001.

Submissions (2):

All of Us Research Program, National Institutes of Health
Classification: Uncertain significance for Arrhythmogenic right ventricular dysplasia 5. Last evaluated: 2024-03-24. Review status: criteria provided, single submitter. Criteria: ACMG Guidelines, 2015. Collection method: clinical testing. Allele origin: germline. Inheritance: Autosomal dominant inheritance. Observed: 1 variant allele, 1 heterozygote.
Comment: This missense variant replaces serine with phenylalanine at codon 146 of the TMEM43 protein. Computational prediction suggests that this variant may not impact protein structure and function (internally defined REVEL score threshold <= 0.5, PMID: 27666373). To our knowledge, functional studies have not been reported for this variant. This variant has not been reported in individuals affected with cardiovascular disorders in the literature. This variant has not been identified in the general population by the Genome Aggregation Database (gnomAD). The available evidence is insufficient to determine the role of this variant in disease conclusively. Therefore, this variant is classified as a Variant of Uncertain Significance.

This study involves interpretation of variants in research participants for the purpose of population health screening. Participant phenotype was not available at the time of variant classification. Additional details can be found in publication PMID: 35346344, PMCID: PMC8962531

Color Diagnostics, LLC DBA Color Health
Classification: Uncertain significance for Cardiomyopathy. Last evaluated: 2024-03-06. Review status: criteria provided, single submitter. Criteria: ACMG Guidelines, 2015. Collection method: clinical testing. Allele origin: germline.
Comment: This missense variant replaces serine with phenylalanine at codon 146 of the TMEM43 protein. Computational prediction suggests that this variant may not impact protein structure and function (internally defined REVEL score threshold <= 0.5, PMID: 27666373). To our knowledge, functional studies have not been reported for this variant. This variant has not been reported in individuals affected with TMEM43-related disorders in the literature. This variant has not been identified in the general population by the Genome Aggregation Database (gnomAD). The available evidence is insufficient to determine the role of this variant in disease conclusively. Therefore, this variant is classified as a Variant of Uncertain Significance.